The following is an entry in ClinVar:

ClinVar aggregate classification (germline): Uncertain significance. Review status: criteria provided, multiple submitters, no conflicts (2 of 4 stars). 3 submissions from 3 submitters: Uncertain significance (3). Last evaluated 2026-03-25.

Conditions:
GATA5-related disorder. Also called: GATA5-related condition.

Allele frequency attached by ClinVar (database versions not stated): gnomAD exomes 0.00002; ExAC 0.00003; gnomAD 0.00004 and 0.00005; TOPMed 0.00006.
gnomAD v4.1: 33 of 1,611,256 alleles (0.002%); highest among the groups gnomAD compares: African/African-American, 0.012%; no homozygotes.

Submissions (3):

GeneDx
Classification: Uncertain significance. Last evaluated: 2026-03-25. Review status: criteria provided, single submitter. Criteria: GeneDx Variant Classification Process June 2021. Collection method: clinical testing. Allele origin: germline.
Comment: In silico analysis supports that this missense variant has a deleterious effect on protein structure/function; Has not been previously published as pathogenic or benign to our knowledge

PreventionGenetics, part of Exact Sciences
Classification: Uncertain significance for GATA5-related condition. Last evaluated: 2025-12-01. Review status: criteria provided, single submitter. Criteria: ACMG Guidelines, 2015. Collection method: clinical testing. Allele origin: germline.
Comment: The GATA5 c.640G>A variant is predicted to result in the amino acid substitution p.Gly214Ser. To our knowledge, this variant has not been reported in the literature. This variant is reported in 0.013% of alleles in individuals of South Asian descent in gnomAD. At this time, the clinical significance of this variant is uncertain due to the absence of conclusive functional and genetic evidence.

Labcorp Genetics (formerly Invitae), Labcorp
Classification: Uncertain significance. Last evaluated: 2025-09-23. Review status: criteria provided, single submitter. Criteria: Invitae Variant Classification Sherloc (09022015). Collection method: clinical testing. Allele origin: germline.
Comment: This sequence change replaces glycine, which is neutral and non-polar, with serine, which is neutral and polar, at codon 214 of the GATA5 protein (p.Gly214Ser). This variant is present in population databases (rs782766788, gnomAD 0.01%). This variant has not been reported in the literature in individuals affected with GATA5-related conditions. ClinVar contains an entry for this variant (Variation ID: 1402140). Invitae Evidence Modeling of protein sequence and biophysical properties (such as structural, functional, and spatial information, amino acid conservation, physicochemical variation, residue mobility, and thermodynamic stability) indicates that this missense variant is expected to disrupt GATA5 protein function with a positive predictive value of 80%. In summary, the available evidence is currently insufficient to determine the role of this variant in disease. Therefore, it has been classified as a Variant of Uncertain Significance.

NM_080473.5(GATA5):c.640G>A (p.Gly214Ser)

Gene: GATA5 (GATA binding protein 5; minus strand). Cytogenetic location: 20q13.33.
Variant type: single nucleotide variant.
Coding change: c.640G>A on transcript NM_080473.5 (MANE Select); coding-DNA position 640, G replaced by A.
Protein change: p.Gly214Ser; replaces glycine 214 with serine.
Molecular consequence: missense variant.
Genome position (GRCh38, 1-based): chr20:62,473,462, C>T on the plus strand (G>A on the coding strand, the complement: GATA5 is on the minus strand). VCF-style: chr20-62473462-C-T. GRCh37 (hg19) VCF-style: chr20-61048518-C-T.
Other names: c.640G>A (NM_080473.4); short protein forms G214S.
Identifiers: ClinVar variation 1402140 (VCV001402140.10), dbSNP rs782766788, ClinGen allele CA9946261.